The following is an entry in ClinVar:

ClinVar aggregate classification (germline): Uncertain significance. Review status: criteria provided, multiple submitters, no conflicts (2 of 4 stars). 3 submissions from 3 submitters: Uncertain significance (3). Last evaluated 2025-05-01.

Conditions:
Hereditary cancer-predisposing syndrome. Also called: Hereditary neoplastic syndrome; Neoplastic Syndromes, Hereditary; Tumor predisposition; Hereditary Cancer Syndrome. Identifiers: Orphanet 140162, MedGen C0027672, MeSH D009386, MONDO:0015356.
Hereditary breast ovarian cancer syndrome. Also called: BRCA1- and BRCA2-Associated Hereditary Breast and Ovarian Cancer; Hereditary breast and ovarian cancer syndrome; Hereditary breast and ovarian cancer; Hereditary breast and ovarian cancer syndrome (HBOC); Hereditary breast and/or ovarian cancer syndrome; Breast and ovarian cancer. Identifiers: Orphanet 145, MedGen C0677776, MeSH D061325, MONDO:0003582. Disease mechanism: loss of function.

Submissions (3):

Labcorp Genetics (formerly Invitae), Labcorp
Classification: Uncertain significance for Hereditary breast ovarian cancer syndrome. Last evaluated: 2025-05-01. Review status: criteria provided, single submitter. Criteria: Invitae Variant Classification Sherloc (09022015). Collection method: clinical testing. Allele origin: germline.
Comment: This sequence change replaces arginine, which is basic and polar, with glycine, which is neutral and non-polar, at codon 67 of the BRCA2 protein (p.Arg67Gly). This variant is not present in population databases (gnomAD no frequency). This variant has not been reported in the literature in individuals affected with BRCA2-related conditions. ClinVar contains an entry for this variant (Variation ID: 560763). Invitae Evidence Modeling of protein sequence and biophysical properties (such as structural, functional, and spatial information, amino acid conservation, physicochemical variation, residue mobility, and thermodynamic stability) indicates that this missense variant is not expected to disrupt BRCA2 protein function with a negative predictive value of 95%. In summary, the available evidence is currently insufficient to determine the role of this variant in disease. Therefore, it has been classified as a Variant of Uncertain Significance.

Ambry Genetics
Classification: Uncertain significance for Hereditary cancer-predisposing syndrome. Last evaluated: 2022-02-14. Review status: criteria provided, single submitter. Criteria: Ambry Variant Classification Scheme 2023. Collection method: clinical testing. Allele origin: germline.
Comment: The p.R67G variant (also known as c.199A>G), located in coding exon 2 of the BRCA2 gene, results from an A to G substitution at nucleotide position 199. The arginine at codon 67 is replaced by glycine, an amino acid with dissimilar properties. This amino acid position is well conserved in available vertebrate species. In addition, this alteration is predicted to be tolerated by in silico analysis. Since supporting evidence is limited at this time, the clinical significance of this alteration remains unclear.

PreventionGenetics, part of Exact Sciences
Classification: Uncertain significance. Last evaluated: 2018-01-08. Review status: criteria provided, single submitter. Criteria: ACMG Guidelines, 2015. Collection method: clinical testing. Allele origin: germline.

NM_000059.4(BRCA2):c.199A>G (p.Arg67Gly)

Gene: BRCA2 (BRCA2 DNA repair associated; plus strand). Cytogenetic location: 13q13.1.
Variant type: single nucleotide variant.
Coding change: c.199A>G on transcript NM_000059.4 (MANE Select); coding-DNA position 199, A replaced by G.
Protein change: p.Arg67Gly; replaces arginine 67 with glycine.
Molecular consequence: missense variant.
Genome position (GRCh38, 1-based): chr13:32,319,208, A>G. VCF-style: chr13-32319208-A-G. GRCh37 (hg19) VCF-style: chr13-32893345-A-G.
Other names: short protein forms R67G.
Identifiers: ClinVar variation 560763 (VCV000560763.9), dbSNP rs1566215868, ClinGen allele CA387754385.